The following is an entry in ClinVar:

NM_014714.4(IFT140):c.1490T>C (p.Val497Ala)

Genes: IFT140 (intraflagellar transport 140; minus strand), LOC105371046 (uncharacterized LOC105371046; plus strand). Cytogenetic location: 16p13.3.
Variant type: single nucleotide variant.
Coding change: c.1490T>C on transcript NM_014714.4 (MANE Select); coding-DNA position 1490, T replaced by C.
Protein change: p.Val497Ala; replaces valine 497 with alanine.
Molecular consequence: missense variant.
Genome position (GRCh38, 1-based): chr16:1,580,793, A>G on the plus strand (T>C on the coding strand, the complement: IFT140 is on the minus strand). VCF-style: chr16-1580793-A-G. GRCh37 (hg19) VCF-style: chr16-1630794-A-G.
Other names: short protein forms V497A.
Identifiers: ClinVar variation 1440304 (VCV001440304.8), dbSNP rs2141751314, ClinGen allele CA394211944.

ClinVar aggregate classification (germline): Uncertain significance (1 of 4 stars; one submission).

Conditions:
Saldino-Mainzer syndrome (SRTD9). Also called: Renal dysplasia, retinal pigmentary dystrophy, cerebellar ataxia and skeletal dysplasia; CONORENAL SYNDROME; SHORT-RIB THORACIC DYSPLASIA 9 WITHOUT POLYDACTYLY; short-rib thoracic dysplasia 9 with or without polydactyly. Identifiers: Orphanet 140969, MedGen C1849437, MONDO:0009964, OMIM 266920.

Submission:

Labcorp Genetics (formerly Invitae), Labcorp
Classification: Uncertain significance for Saldino-Mainzer syndrome. Last evaluated: 2022-02-18. Review status: criteria provided, single submitter. Criteria: Invitae Variant Classification Sherloc (09022015). Collection method: clinical testing. Allele origin: germline.
Comment: This sequence change replaces valine, which is neutral and non-polar, with alanine, which is neutral and non-polar, at codon 497 of the IFT140 protein (p.Val497Ala). This variant is not present in population databases (gnomAD no frequency). This variant has not been reported in the literature in individuals affected with IFT140-related conditions. Algorithms developed to predict the effect of missense changes on protein structure and function are either unavailable or do not agree on the potential impact of this missense change (SIFT: "Deleterious"; PolyPhen-2: "Benign"; Align-GVGD: "Class C0"). In summary, the available evidence is currently insufficient to determine the role of this variant in disease. Therefore, it has been classified as a Variant of Uncertain Significance.